The following is an entry in ClinVar:

NM_004036.5(ADCY3):c.3289G>A (p.Gly1097Ser)

Genes: CENPO (centromere protein O; plus strand), ADCY3 (adenylate cyclase 3; minus strand). Cytogenetic location: 2p23.3.
Variant type: single nucleotide variant.
Coding change: c.3289G>A on transcript NM_004036.5 (MANE Select); coding-DNA position 3289, G replaced by A.
Protein change: p.Gly1097Ser; replaces glycine 1097 with serine.
Molecular consequence: missense variant. On other transcripts: 3 prime UTR variant (4), non-coding transcript variant (3).
Genome position (GRCh38, 1-based): chr2:24,820,078, C>T on the plus strand (G>A on the coding strand, the complement: ADCY3 is on the minus strand). VCF-style: chr2-24820078-C-T. GRCh37 (hg19) VCF-style: chr2-25042947-C-T.
Other names: c.3292G>A (NM_001320613.1); c.3292G>A, p.Gly1098Ser (NM_001320613.2); c.3355G>A, p.Gly1119Ser (NM_001377128.1); c.3151G>A, p.Gly1051Ser (NM_001377129.1); c.*30G>A (NM_001377130.1); c.2566G>A, p.Gly856Ser (NM_001377131.1); c.3289G>A, p.Gly1097Ser (NM_001377132.1); c.*760C>T (NM_001199803.3, NM_001322101.2, NM_024322.4); short protein forms G1051S, G856S, G1119S, G1097S, G1098S.
Identifiers: ClinVar variation 3081604 (VCV003081604.5), dbSNP rs149824724, ClinGen allele CA1553430.

ClinVar aggregate classification (germline): Uncertain significance. Review status: criteria provided, multiple submitters, no conflicts (2 of 4 stars). 3 submissions from 3 submitters: Uncertain significance (3). Last evaluated 2026-05-11.

Conditions:
Inborn genetic diseases. Identifiers: MedGen C0950123, MeSH D030342.
ADCY3-related disorder. Also called: ADCY3-related condition.

Allele frequency attached by ClinVar (database versions not stated): gnomAD 0.00007.
gnomAD v4.1: 65 of 1,574,908 alleles (0.0041%); highest among the groups gnomAD compares: Admixed American, 0.017%; no homozygotes.

Submissions (3):

PreventionGenetics, part of Exact Sciences
Classification: Uncertain significance for ADCY3-related condition. Last evaluated: 2026-05-11. Review status: criteria provided, single submitter. Criteria: ACMG Guidelines, 2015. Collection method: clinical testing. Allele origin: germline.
Comment: The ADCY3 c.3292G>A variant is predicted to result in the amino acid substitution p.Gly1098Ser. To our knowledge, this variant has not been reported in the literature. This variant is reported in 0.0096% of alleles in individuals of European (non-Finnish) descent in gnomAD. At this time, the clinical significance of this variant is uncertain due to the absence of conclusive functional and genetic evidence.

Ambry Genetics
Classification: Uncertain significance for Inborn genetic diseases. Last evaluated: 2025-12-09. Review status: criteria provided, single submitter. Criteria: Ambry Variant Classification Scheme 2023. Collection method: clinical testing. Allele origin: germline.

Blueprint Genetics
Classification: Uncertain significance. Last evaluated: 2024-10-30. Review status: criteria provided, single submitter. Criteria: ACMG Guidelines, 2015. Collection method: clinical testing. Allele origin: germline.